The following is an entry in ClinVar:

NM_001042492.3(NF1):c.4798A>G (p.Lys1600Glu)

Gene: NF1 (neurofibromin 1; plus strand). Cytogenetic location: 17q11.2.
Variant type: single nucleotide variant.
Coding change: c.4798A>G on transcript NM_001042492.3 (MANE Select); coding-DNA position 4798, A replaced by G.
Protein change: p.Lys1600Glu; replaces lysine 1600 with glutamic acid.
Molecular consequence: missense variant.
Genome position (GRCh38, 1-based): chr17:31,265,302, A>G. VCF-style: chr17-31265302-A-G. GRCh37 (hg19) VCF-style: chr17-29592320-A-G.
Other names: c.4735A>G, p.Lys1579Glu (NM_000267.4); short protein forms K1579E, K1600E.
Identifiers: ClinVar variation 3237799 (VCV003237799.1), dbSNP rs1567865056.

ClinVar aggregate classification (germline): Uncertain significance (1 of 4 stars; one submission).

Conditions:
Hereditary cancer-predisposing syndrome. Also called: Neoplastic Syndromes, Hereditary; Tumor predisposition; Hereditary neoplastic syndrome; Hereditary Cancer Syndrome. Identifiers: Orphanet 140162, MedGen C0027672, MeSH D009386, MONDO:0015356.
Cardiovascular phenotype. Identifiers: MedGen CN230736.

Submission:

Ambry Genetics
Classification: Uncertain significance for Cardiovascular phenotype; Hereditary cancer-predisposing syndrome. Last evaluated: 2024-01-06. Review status: criteria provided, single submitter. Criteria: Ambry Variant Classification Scheme 2023. Collection method: clinical testing. Allele origin: germline.
Comment: The p.K1579E variant (also known as c.4735A>G), located in coding exon 35 of the NF1 gene, results from an A to G substitution at nucleotide position 4735. The lysine at codon 1579 is replaced by glutamic acid, an amino acid with similar properties. This amino acid position is conserved. In addition, the in silico prediction for this alteration is inconclusive. Since supporting evidence is limited at this time, the clinical significance of this alteration remains unclear.